The following is an entry in ClinVar:

ClinVar aggregate classification (germline): Uncertain significance (1 of 4 stars; one submission).

Submission:

Women's Health and Genetics/Laboratory Corporation of America, LabCorp
Classification: Uncertain significance. Last evaluated: 2018-06-07. Review status: criteria provided, single submitter. Criteria: LabCorp Variant Classification Summary - May 2015. Collection method: clinical testing. Allele origin: germline.
Comment: Variant summary: L1CAM c.3019C>G (p.Arg1007Gly) results in a non-conservative amino acid change located in the Fibronectin type III of the encoded protein sequence. Four of five in-silico tools predict a benign effect of the variant on protein function. The variant was absent in 178747 control chromosomes. The available data on variant occurrences in the general population are insufficient to allow any conclusion about variant significance. To our knowledge, no occurrence of c.3019C>G in individuals affected with L1 Syndrome and no experimental evidence demonstrating its impact on protein function have been reported. No clinical diagnostic laboratories have submitted clinical-significance assessments for this variant to ClinVar after 2014. Based on the evidence outlined above, the variant was classified as uncertain significance.

NM_001278116.2(L1CAM):c.3019C>G (p.Arg1007Gly)

Gene: L1CAM (L1 cell adhesion molecule; minus strand). Cytogenetic location: Xq28.
Variant type: single nucleotide variant.
Coding change: c.3019C>G on transcript NM_001278116.2 (MANE Select); coding-DNA position 3019, C replaced by G.
Protein change: p.Arg1007Gly; replaces arginine 1007 with glycine.
Molecular consequence: missense variant.
Genome position (GRCh38, 1-based): chrX:153,864,848, G>C on the plus strand (C>G on the coding strand, the complement: L1CAM is on the minus strand). VCF-style: chrX-153864848-G-C. GRCh37 (hg19) VCF-style: chrX-153130303-G-C.
Other names: c.3019C>G, p.Arg1007Gly (NM_000425.5, NM_024003.3); c.3004C>G, p.Arg1002Gly (NM_001143963.2); short protein forms R1007G, R1002G.
Identifiers: ClinVar variation 633284 (VCV000633284.1), dbSNP rs1557090232, ClinGen allele CA415113772.